The following is an entry in ClinVar:

NM_000188.3(HK1):c.1684A>C (p.Ile562Leu)

Gene: HK1 (hexokinase 1; plus strand). Cytogenetic location: 10q22.1.
Variant type: single nucleotide variant.
Coding change: c.1684A>C on transcript NM_000188.3 (MANE Select); coding-DNA position 1684, A replaced by C.
Protein change: p.Ile562Leu; replaces isoleucine 562 with leucine.
Molecular consequence: missense variant.
Genome position (GRCh38, 1-based): chr10:69,384,446, A>C. VCF-style: chr10-69384446-A-C. GRCh37 (hg19) VCF-style: chr10-71144202-A-C.
Other names: c.1696A>C, p.Ile566Leu (NM_001322364.2, NM_001358263.1, NM_033497.3 and 1 more transcripts); c.1789A>C, p.Ile597Leu (NM_001322365.2); c.1600A>C, p.Ile534Leu (NM_001322366.1); c.1588A>C, p.Ile530Leu (NM_001322367.1); c.1681A>C, p.Ile561Leu (NM_033496.3); c.1648A>C, p.Ile550Leu (NM_033500.2); short protein forms I530L, I534L, I550L, I561L, I562L, I566L, I597L.
Identifiers: ClinVar variation 1716031 (VCV001716031.5), dbSNP rs2540429860, ClinGen allele CA376911397.
Genomic context (GRCh38, chr10:69,384,446, plus strand): 5'-CTGGTGAAAATCCGTAGTGGGAAAAAGAGAACGGTGGAAATGCACAACAAGATCTACGCC[A>C]TTCCTATTGAAATCATGCAGGGCACTGGGGAAGAGGTGAGATTACAAAACCATAGTGCAT-3'
Protein context (NP_000179.2, residues 552-572): TVEMHNKIYA[Ile562Leu]PIEIMQGTGE

ClinVar aggregate classification (germline): Uncertain significance (1 of 4 stars; one submission).

Submission:

Labcorp Genetics (formerly Invitae), Labcorp
Classification: Uncertain significance. Last evaluated: 2025-02-24. Review status: criteria provided, single submitter. Criteria: Invitae Variant Classification Sherloc (09022015). Collection method: clinical testing. Allele origin: germline.
Comment: This sequence change replaces isoleucine, which is neutral and non-polar, with leucine, which is neutral and non-polar, at codon 562 of the HK1 protein (p.Ile562Leu). This variant is not present in population databases (gnomAD no frequency). This variant has not been reported in the literature in individuals affected with HK1-related conditions. ClinVar contains an entry for this variant (Variation ID: 1716031). Invitae Evidence Modeling of protein sequence and biophysical properties (such as structural, functional, and spatial information, amino acid conservation, physicochemical variation, residue mobility, and thermodynamic stability) indicates that this missense variant is not expected to disrupt HK1 protein function with a negative predictive value of 80%. In summary, the available evidence is currently insufficient to determine the role of this variant in disease. Therefore, it has been classified as a Variant of Uncertain Significance.